The following is an entry in ClinVar:

NM_001363711.2(DUOX2):c.1933G>T (p.Asp645Tyr)

Gene: DUOX2 (dual oxidase 2; minus strand). Cytogenetic location: 15q21.1.
Variant type: single nucleotide variant.
Coding change: c.1933G>T on transcript NM_001363711.2 (MANE Select); coding-DNA position 1933, G replaced by T.
Protein change: p.Asp645Tyr; replaces aspartic acid 645 with tyrosine.
Molecular consequence: missense variant.
Genome position (GRCh38, 1-based): chr15:45,106,540, C>A on the plus strand (G>T on the coding strand, the complement: DUOX2 is on the minus strand). VCF-style: chr15-45106540-C-A. GRCh37 (hg19) VCF-style: chr15-45398738-C-A.
Other names: p.Asp645Tyr; c.1933G>T, p.Asp645Tyr (NM_014080.5); short protein forms D645Y.
Identifiers: ClinVar variation 725509 (VCV000725509.15), dbSNP rs773358950, ClinGen allele CA7538447.

ClinVar aggregate classification (germline): Conflicting classifications of pathogenicity. Review status: criteria provided, conflicting classifications (1 of 4 stars). 4 submissions from 4 submitters: Uncertain significance (3); Likely benign (1). Last evaluated 2026-08-01.

Allele frequency attached by ClinVar (database versions not stated): gnomAD 0.00006; TOPMed 0.00020; ExAC 0.00054; gnomAD exomes 0.00054.

Submissions (4):

CeGaT Center for Human Genetics Tuebingen
Classification: Uncertain significance. Last evaluated: 2026-08-01. Review status: criteria provided, single submitter. Criteria: CeGaT Center For Human Genetics Tuebingen Variant Classification Criteria Version 2. Collection method: clinical testing. Allele origin: germline. Affected: yes. Observed: 1 variant allele.
Comment: DUOX2: PM2, PM3:Supporting, BP4

Labcorp Genetics (formerly Invitae), Labcorp
Classification: Likely benign. Last evaluated: 2026-01-15. Review status: criteria provided, single submitter. Criteria: Invitae Variant Classification Sherloc (09022015). Collection method: clinical testing. Allele origin: germline.

Mayo Clinic Laboratories, Mayo Clinic
Classification: Uncertain significance. Last evaluated: 2024-07-31. Review status: criteria provided, single submitter. Criteria: ACMG Guidelines, 2015. Collection method: clinical testing. Allele origin: germline. Observed: 2 variant alleles.
Comment: BP4

GeneDx
Classification: Uncertain significance. Last evaluated: 2020-05-20. Review status: criteria provided, single submitter. Criteria: GeneDx Variant Classification Process June 2021. Collection method: clinical testing. Allele origin: germline. Affected: yes.
Comment: In silico analysis, which includes protein predictors and evolutionary conservation, supports a deleterious effect; Has not been previously published as pathogenic or benign to our knowledge

Literature cited by the submitters: PubMed 33651715 (cited by Mayo Clinic Laboratories, Mayo Clinic).